The following is an entry in ClinVar:

ClinVar aggregate classification (germline): Uncertain significance (1 of 4 stars; one submission).

Allele frequency attached by ClinVar (database versions not stated): ExAC 0.00001; gnomAD 0.00001; 1000 Genomes Project 30x 0.00016; 1000 Genomes Project 0.00020.

Submission:

Labcorp Genetics (formerly Invitae), Labcorp
Classification: Uncertain significance. Last evaluated: 2021-12-03. Review status: criteria provided, single submitter. Criteria: Invitae Variant Classification Sherloc (09022015). Collection method: clinical testing. Allele origin: germline.
Comment: In summary, the available evidence is currently insufficient to determine the role of this variant in disease. Therefore, it has been classified as a Variant of Uncertain Significance. Algorithms developed to predict the effect of missense changes on protein structure and function (SIFT, PolyPhen-2, Align-GVGD) all suggest that this variant is likely to be disruptive. This variant has not been reported in the literature in individuals affected with MARS2-related conditions. This variant is present in population databases (rs556374411, gnomAD 0.007%). This sequence change replaces histidine, which is basic and polar, with tyrosine, which is neutral and polar, at codon 316 of the MARS2 protein (p.His316Tyr).

NM_138395.4(MARS2):c.946C>T (p.His316Tyr)

Gene: MARS2 (methionyl-tRNA synthetase 2, mitochondrial; plus strand). Cytogenetic location: 2q33.1.
Variant type: single nucleotide variant.
Coding change: c.946C>T on transcript NM_138395.4 (MANE Select); coding-DNA position 946, C replaced by T.
Protein change: p.His316Tyr; replaces histidine 316 with tyrosine.
Molecular consequence: missense variant.
Genome position (GRCh38, 1-based): chr2:197,706,351, C>T. VCF-style: chr2-197706351-C-T. GRCh37 (hg19) VCF-style: chr2-198571075-C-T.
Other names: short protein forms H316Y.
Identifiers: ClinVar variation 2028032 (VCV002028032.4), dbSNP rs556374411, ClinGen allele CA2044665.